The following is an entry in ClinVar:

NM_000503.6(EYA1):c.1570G>T (p.Glu524Ter)

Gene: EYA1 (EYA transcriptional coactivator and phosphatase 1; minus strand). Cytogenetic location: 8q13.3.
Variant type: single nucleotide variant.
Coding change: c.1570G>T on transcript NM_000503.6 (MANE Select); coding-DNA position 1570, G replaced by T.
Protein change: p.Glu524Ter; replaces glutamic acid 524 with a stop codon.
Molecular consequence: nonsense.
Genome position (GRCh38, 1-based): chr8:71,215,414, C>A on the plus strand (G>T on the coding strand, the complement: EYA1 is on the minus strand). VCF-style: chr8-71215414-C-A. GRCh37 (hg19) VCF-style: chr8-72127649-C-A.
Other names: c.1552G>T, p.Glu518Ter (NM_001288574.2, NM_172059.5); c.1204G>T, p.Glu402Ter (NM_001288575.2); c.1657G>T, p.Glu553Ter (NM_001370333.1); c.1570G>T, p.Glu524Ter (NM_001370334.1, NM_001370335.1, NM_172058.4); c.1549G>T, p.Glu517Ter (NM_001370336.1); c.1471G>T, p.Glu491Ter (NM_001411797.1, NM_172060.4); short protein forms E402*, E491*, E517*, E518*, E524*, E553*.
Identifiers: ClinVar variation 2575017 (VCV002575017.1), dbSNP rs2537274059, ClinGen allele CA371466108.

ClinVar aggregate classification (germline): Likely pathogenic (1 of 4 stars; one submission).

Submission:

GeneDx
Classification: Likely pathogenic. Last evaluated: 2023-02-01. Review status: criteria provided, single submitter. Criteria: GeneDx Variant Classification Process June 2021. Collection method: clinical testing. Allele origin: germline. Affected: yes.
Comment: Reported in one individual with a clinical diagnosis of BOR syndrome without renal findings in published literature (Orten et al., 2008); Nonsense variant predicted to result in protein truncation or nonsense mediated decay in a gene for which loss of function is a known mechanism of disease; Not observed at significant frequency in large population cohorts (gnomAD); This variant is associated with the following publications: (PMID: 25525159, 24803398, 18220287)